The following is an entry in ClinVar:

ClinVar aggregate classification (germline): Likely benign. Review status: criteria provided, multiple submitters, no conflicts (2 of 4 stars). 7 submissions from 7 submitters: Likely benign (6). 1 of the submissions does not count toward it. Last evaluated 2026-01-20.

Conditions:
ELP1-related disorder. Also called: ELP1-related condition.
Familial dysautonomia. Also called: FD; HSAN III. Identifiers: Orphanet 1764, MedGen C0013364, MONDO:0009131, OMIM 223900. Disease mechanism: loss of function.
Medulloblastoma (MDB). Also called: Medulloblastoma, somatic; MEDULLOBLASTOMA PREDISPOSITION SYNDROME. Identifiers: Orphanet 616, MedGen C0025149, MeSH D008527, MONDO:0007959, OMIM 155255, HP:0002885.

Allele frequency attached by ClinVar (database versions not stated): gnomAD exomes below 0.00001 and 0.00001; gnomAD 0.00001; ExAC 0.00002; TOPMed 0.00002; ESP Exome Variant Server 0.00015.
gnomAD v4.1: 7 of 1,613,990 alleles (0.00043%); highest among the groups gnomAD compares: Non-Finnish European, 0.00059%; no homozygotes.

Submissions (7):

Labcorp Genetics (formerly Invitae), Labcorp
Classification: Likely benign. Last evaluated: 2026-01-20. Review status: criteria provided, single submitter. Criteria: Invitae Variant Classification Sherloc (09022015). Collection method: clinical testing. Allele origin: germline.

PreventionGenetics, part of Exact Sciences
Classification: Likely benign for ELP1-related condition. Last evaluated: 2026-01-15. Review status: criteria provided, single submitter. Criteria: ACMG Guidelines, 2015. Collection method: clinical testing. Allele origin: germline.
Comment: This variant is classified as likely benign based on ACMG/AMP sequence variant interpretation guidelines (Richards et al. 2015 PMID: 25741868, with internal and published modifications).

CeGaT Center for Human Genetics Tuebingen
Classification: Likely benign. Last evaluated: 2026-01-01. Review status: criteria provided, single submitter. Criteria: CeGaT Center For Human Genetics Tuebingen Variant Classification Criteria Version 2. Collection method: clinical testing. Allele origin: germline. Affected: yes. Observed: 2 variant alleles.
Comment: ELP1: BP4, BP7

Fulgent Genetics
Classification: Likely benign for Medulloblastoma; Familial dysautonomia. Last evaluated: 2021-12-30. Review status: criteria provided, single submitter. Criteria: ACMG Guidelines, 2015. Collection method: clinical testing. Allele origin: unknown.

Ambry Genetics
Classification: Likely benign. Last evaluated: 2019-07-11. Review status: criteria provided, single submitter. Criteria: Ambry Variant Classification Scheme 2023. Collection method: clinical testing. Allele origin: germline.

GeneDx
Classification: Likely benign. Last evaluated: 2016-07-07. Review status: criteria provided, single submitter. Criteria: GeneDx Variant Classification (06012015). Collection method: clinical testing. Allele origin: germline. Affected: yes.
Comment: This variant is considered likely benign or benign based on one or more of the following criteria: it is a conservative change, it occurs at a poorly conserved position in the protein, it is predicted to be benign by multiple in silico algorithms, and/or has population frequency not consistent with disease.

Natera, Inc.
Classification: Likely benign for Familial dysautonomia. Last evaluated: 2018-06-25. Review status: no assertion criteria provided. Collection method: clinical testing. Allele origin: germline. Not counted in ClinVar's aggregate classification.

NM_003640.5(ELP1):c.888A>G (p.Ala296=)

Gene: ELP1 (elongator acetyltransferase complex subunit 1; minus strand). Cytogenetic location: 9q31.3.
Variant type: single nucleotide variant.
Coding change: c.888A>G on transcript NM_003640.5 (MANE Select); coding-DNA position 888, A replaced by G.
Protein change: p.Ala296=; no amino-acid change (alanine 296 retained).
Molecular consequence: synonymous variant. On other transcripts: 5 prime UTR variant (1).
Genome position (GRCh38, 1-based): chr9:108,916,274, T>C on the plus strand (A>G on the coding strand, the complement: ELP1 is on the minus strand). VCF-style: chr9-108916274-T-C. GRCh37 (hg19) VCF-style: chr9-111678554-T-C.
Other names: c.888A>G (LRG_251t1, NM_003640.4); c.546A>G, p.Ala182= (NM_001318360.2); c.-160A>G (NM_001330749.2).
Identifiers: ClinVar variation 387247 (VCV000387247.29), dbSNP rs371923882, ClinGen allele CA5175204.